The following is an entry in ClinVar:

ClinVar aggregate classification (germline): Uncertain significance (1 of 4 stars; one submission).

Submission:

GeneDx
Classification: Uncertain significance. Last evaluated: 2026-03-12. Review status: criteria provided, single submitter. Criteria: GeneDx Variant Classification Process June 2021. Collection method: clinical testing. Allele origin: germline.
Comment: Not observed at significant frequency in large population cohorts (gnomAD); In silico analysis supports that this missense variant has a deleterious effect on protein structure/function; Has not been previously published as pathogenic or benign to our knowledge

NM_015335.5(MED13L):c.6116T>C (p.Ile2039Thr)

Gene: MED13L (mediator complex subunit 13L; minus strand). Cytogenetic location: 12q24.21.
Variant type: single nucleotide variant.
Coding change: c.6116T>C on transcript NM_015335.5 (MANE Select); coding-DNA position 6116, T replaced by C.
Protein change: p.Ile2039Thr; replaces isoleucine 2039 with threonine.
Molecular consequence: missense variant.
Genome position (GRCh38, 1-based): chr12:115,969,049, A>G on the plus strand (T>C on the coding strand, the complement: MED13L is on the minus strand). VCF-style: chr12-115969049-A-G. GRCh37 (hg19) VCF-style: chr12-116406854-A-G.
Other names: short protein forms I2039T.
Identifiers: ClinVar variation 5008600 (VCV005008600.1).